The following is an entry in ClinVar:

NM_014283.5(SUCO):c.3266-10_3266-9del

Gene: SUCO (SUN domain containing ossification factor; plus strand). Cytogenetic location: 1q24.3.
Variant type: Deletion.
Coding change: c.3266-10_3266-9del on transcript NM_014283.5 (MANE Select); 10 bases into the intron before coding-DNA position 3266 through 9 bases into the intron before coding-DNA position 3266, 2 bases deleted (TT; older notation c.3266-10_3266-9delTT).
Molecular consequence: intron variant.
Genome position (GRCh38, 1-based): chr1:172,608,737-172,608,738, TT deleted; deleting any 2 consecutive bases within chr1:172,608,725-172,608,738 gives the same sequence; the c. name uses the placement nearest the transcript's 3' end. VCF-style (leftmost placement, unchanged base first): chr1-172608724-CTT-C. GRCh37 (hg19) VCF-style: chr1-172577864-CTT-C.
Other names: c.3719-10_3719-9del (NM_016227.4); c.1577-10_1577-9del (NM_001282751.2); c.2153-10_2153-9del (NM_001282750.2).
Identifiers: ClinVar variation 3059132 (VCV003059132.2), dbSNP rs372623434, ClinGen allele CA1247302.

ClinVar aggregate classification (germline): Benign (0 of 4 stars; one submission).

Conditions:
SUCO-related disorder. Also called: SUCO-related condition.

Submission:

PreventionGenetics, part of Exact Sciences
Classification: Benign for SUCO-related condition. Last evaluated: 2019-11-18. Review status: no assertion criteria provided. Collection method: clinical testing. Allele origin: germline.
Comment: This variant is classified as benign based on ACMG/AMP sequence variant interpretation guidelines (Richards et al. 2015 PMID: 25741868, with internal and published modifications).